The following is an entry in ClinVar:

ClinVar aggregate classification (germline): Uncertain significance (1 of 4 stars; one submission).

gnomAD v4.1: 1 of 1,614,190 alleles (0.000062%); highest among the groups gnomAD compares: East Asian, 0.0022%; no homozygotes.

Submission:

Women's Health and Genetics/Laboratory Corporation of America, LabCorp
Classification: Uncertain significance. Last evaluated: 2024-08-08. Review status: criteria provided, single submitter. Criteria: LabCorp Variant Classification Summary - May 2015. Collection method: clinical testing. Allele origin: germline.
Comment: Variant summary: KCNJ1 c.152T>C (p.Ile51Thr) results in a non-conservative amino acid change located in the transmembrane domain (IPR040445) of the encoded protein sequence. Five of five in-silico tools predict a damaging effect of the variant on protein function. The variant allele was found at a frequency of 8e-06 in 251398 control chromosomes (gnomAD). The variant, Ile51Thr, has been reported in the literature in at least one individual affected with Bartter Syndrome, Type 2 (Schulte_1999). Publications also reported experimental evidence evaluating an impact on protein function, and demonstrated that this missense change alters KCNJ1 function (Schulte_1999, Lopes_2002). The following publications have been ascertained in the context of this evaluation (PMID: 10611379, 12086641). No submitters have cited clinical-significance assessments for this variant to ClinVar. Based on the evidence outlined above, the variant was classified as VUS-possibly pathogenic.

Literature cited by the submitters: PubMed 10611379; PubMed 12086641.

NM_153766.3(KCNJ1):c.95T>C (p.Ile32Thr)

Gene: KCNJ1 (potassium inwardly rectifying channel subfamily J member 1; minus strand). Cytogenetic location: 11q24.3.
Variant type: single nucleotide variant.
Coding change: c.95T>C on transcript NM_153766.3 (MANE Select); coding-DNA position 95, T replaced by C.
Protein change: p.Ile32Thr; replaces isoleucine 32 with threonine.
Molecular consequence: missense variant.
Genome position (GRCh38, 1-based): chr11:128,840,149, A>G on the plus strand (T>C on the coding strand, the complement: KCNJ1 is on the minus strand). VCF-style: chr11-128840149-A-G. GRCh37 (hg19) VCF-style: chr11-128710044-A-G.
Other names: c.152T>C, p.Ile51Thr (NM_000220.6); c.95T>C, p.Ile32Thr (NM_153764.3, NM_153767.4); c.146T>C, p.Ile49Thr (NM_153765.3); short protein forms I32T, I49T, I51T.
Identifiers: ClinVar variation 3366371 (VCV003366371.1).